The following is an entry in ClinVar:

NM_000062.3(SERPING1):c.751C>T (p.Leu251=)

Gene: SERPING1 (serpin family G member 1; plus strand). Cytogenetic location: 11q12.1.
Variant type: single nucleotide variant.
Coding change: c.751C>T on transcript NM_000062.3 (MANE Select); coding-DNA position 751, C replaced by T.
Protein change: p.Leu251=; no amino-acid change (leucine 251 retained).
Molecular consequence: synonymous variant.
Genome position (GRCh38, 1-based): chr11:57,606,075, C>T. VCF-style: chr11-57606075-C-T. GRCh37 (hg19) VCF-style: chr11-57373548-C-T.
Other names: c.751C>T, p.Leu251= (NM_001032295.2).
Identifiers: ClinVar variation 305026 (VCV000305026.46), dbSNP rs35788383, ClinGen allele CA6008119.
Genomic context (GRCh38, chr11:57,606,075, plus strand): 5'-GCCATAAGGGACACCTTTGTGAATGCCTCTCGGACCCTGTACAGCAGCAGCCCCAGAGTC[C>T]TAAGCAACAACAGTGACGCCAACTTGGAGCTCATCAACACCTGGGTGGCCAAGAACACCA-3'
Protein context (NP_000053.2, residues 241-261): RTLYSSSPRV[Leu251=]SNNSDANLEL

ClinVar aggregate classification (germline): Benign/Likely benign. Review status: criteria provided, multiple submitters, no conflicts (2 of 4 stars). 10 submissions from 10 submitters: Benign (5); Likely benign (3). 2 of the submissions do not count toward it. Last evaluated 2026-02-02.

Conditions:
Inborn genetic diseases. Identifiers: MedGen C0950123, MeSH D030342.
Hereditary angioedema type 1 (HAE1). Identifiers: Orphanet 100050, Orphanet 100051, Orphanet 91378, MedGen C2717906, MONDO:0015053, OMIM 106100.

Allele frequency attached by ClinVar (database versions not stated): 1000 Genomes Project 30x 0.00156; 1000 Genomes Project 0.00160; TOPMed 0.00446; ExAC 0.00537; ESP Exome Variant Server 0.00539; gnomAD 0.00546 and 0.00558; gnomAD exomes 0.00550 and 0.00768.
gnomAD v4.1: 11,993 of 1,614,120 alleles (0.74%); highest among the groups gnomAD compares: Non-Finnish European, 0.86%; 54 homozygotes.

Submissions (10):

Labcorp Genetics (formerly Invitae), Labcorp
Classification: Benign. Last evaluated: 2026-02-02. Review status: criteria provided, single submitter. Criteria: Invitae Variant Classification Sherloc (09022015). Collection method: clinical testing. Allele origin: germline.

Women's Health and Genetics/Laboratory Corporation of America, LabCorp
Classification: Benign. Last evaluated: 2026-01-22. Review status: criteria provided, single submitter. Criteria: LabCorp Variant Classification Summary - May 2015. Collection method: clinical testing. Allele origin: germline.

Blueprint Genetics
Classification: Likely benign. Last evaluated: 2024-11-26. Review status: criteria provided, single submitter. Criteria: ACMG Guidelines, 2015. Collection method: clinical testing. Allele origin: germline.

Ambry Genetics
Classification: Likely benign for Inborn genetic diseases. Last evaluated: 2023-10-27. Review status: criteria provided, single submitter. Criteria: Ambry Variant Classification Scheme 2023. Collection method: clinical testing. Allele origin: germline.

CeGaT Center for Human Genetics Tuebingen
Classification: Likely benign. Last evaluated: 2022-10-01. Review status: criteria provided, single submitter. Criteria: CeGaT Center For Human Genetics Tuebingen Variant Classification Criteria Version 2. Collection method: clinical testing. Allele origin: germline. Affected: yes. Observed: 1 variant allele.
Comment: SERPING1: BP4, BS2

Illumina Laboratory Services, Illumina
Classification: Benign for Hereditary angioedema type 1. Last evaluated: 2018-01-12. Review status: criteria provided, single submitter. Criteria: ICSL Variant Classification Criteria 13 December 2019. Collection method: clinical testing. Allele origin: germline.
Comment: This variant was observed in the ICSL laboratory as part of a predisposition screen in an ostensibly healthy population. It had not been previously curated by ICSL or reported in the Human Gene Mutation Database (HGMD: prior to June 1st, 2018), and was therefore a candidate for classification through an automated scoring system. Utilizing variant allele frequency, disease prevalence and penetrance estimates, and inheritance mode, an automated score was calculated to assess if this variant is too frequent to cause the disease. Based on the score and internal cut-off values, a variant classified as benign is not then subjected to further curation. The score for this variant resulted in a classification of benign for this disease.

GeneDx
Classification: Benign. Last evaluated: 2015-04-07. Review status: criteria provided, single submitter. Criteria: GeneDx Variant Classification (06012015). Collection method: clinical testing. Allele origin: germline. Affected: yes.
Comment: This variant is considered likely benign or benign based on one or more of the following criteria: it is a conservative change, it occurs at a poorly conserved position in the protein, it is predicted to be benign by multiple in silico algorithms, and/or has population frequency not consistent with disease.

Breakthrough Genomics
Classification: Benign. Review status: criteria provided, single submitter. Criteria: ACMG Guidelines, 2015. Collection method: not provided. Allele origin: germline. Inheritance: Autosomal recessive inheritance. Affected: yes.

Clinical Genetics DNA and cytogenetics Diagnostics Lab, Erasmus MC, Erasmus Medical Center
Classification: Likely benign. Review status: no assertion criteria provided. Collection method: clinical testing. Allele origin: germline. Affected: yes. Study: VKGL Data-share Consensus. Not counted in ClinVar's aggregate classification.

Genome Diagnostics Laboratory, University Medical Center Utrecht
Classification: Likely benign. Review status: no assertion criteria provided. Collection method: clinical testing. Allele origin: germline. Affected: yes. Study: VKGL Data-share Consensus. Not counted in ClinVar's aggregate classification.